The following is an entry in ClinVar:

NM_004304.5(ALK):c.3897G>T (p.Glu1299Asp)

Gene: ALK (ALK receptor tyrosine kinase; minus strand). Cytogenetic location: 2p23.2.
Variant type: single nucleotide variant.
Coding change: c.3897G>T on transcript NM_004304.5 (MANE Select); coding-DNA position 3897, G replaced by T.
Protein change: p.Glu1299Asp; replaces glutamic acid 1299 with aspartic acid.
Molecular consequence: missense variant.
Genome position (GRCh38, 1-based): chr2:29,207,212, C>A on the plus strand (G>T on the coding strand, the complement: ALK is on the minus strand). VCF-style: chr2-29207212-C-A. GRCh37 (hg19) VCF-style: chr2-29430078-C-A.
Other names: c.693G>T, p.Glu231Asp (NM_001353765.2); short protein forms E1299D, E231D.
Identifiers: ClinVar variation 4671375 (VCV004671375.1).

ClinVar aggregate classification (germline): Uncertain significance (1 of 4 stars; one submission).

Conditions:
Hereditary cancer-predisposing syndrome. Also called: Neoplastic Syndromes, Hereditary; Tumor predisposition; Hereditary Cancer Syndrome; Hereditary neoplastic syndrome. Identifiers: Orphanet 140162, MedGen C0027672, MeSH D009386, MONDO:0015356.

Submission:

Ambry Genetics
Classification: Uncertain significance for Hereditary cancer-predisposing syndrome. Last evaluated: 2025-09-20. Review status: criteria provided, single submitter. Criteria: Ambry Variant Classification Scheme 2023. Collection method: clinical testing. Allele origin: germline.
Comment: The p.E1299D variant (also known as c.3897G>T), located in coding exon 26 of the ALK gene, results from a G to T substitution at nucleotide position 3897. The glutamic acid at codon 1299 is replaced by aspartic acid, an amino acid with highly similar properties. This amino acid position is conserved. In addition, this alteration is predicted to be deleterious by in silico analysis. Based on the available evidence, the clinical significance of this variant remains unclear.